The following is an entry in ClinVar:

ClinVar aggregate classification (germline): Uncertain significance. Review status: criteria provided, multiple submitters, no conflicts (2 of 4 stars). 2 submissions from 2 submitters: Uncertain significance (2). Last evaluated 2023-10-20.

Conditions:
Finnish type amyloidosis. Also called: AMYLOID CRANIAL NEUROPATHY WITH LATTICE CORNEAL DYSTROPHY; AMYLOIDOSIS DUE TO MUTANT GELSOLIN; Lattice corneal dystrophy associated with familial systemic amyloidosis; Meretoja's syndrome; Lattice dystrophy of the cornea with hereditary generalized amyloidosis; Amyloidosis, familial, Finnish type. Identifiers: Orphanet 85448, MedGen C1622345, MONDO:0007097, OMIM 105120.

Allele frequency attached by ClinVar (database versions not stated): gnomAD 0.00001; gnomAD exomes 0.00001 and 0.00002; ExAC 0.00002; TOPMed 0.00002.

Submissions (2):

Labcorp Genetics (formerly Invitae), Labcorp
Classification: Uncertain significance. Last evaluated: 2023-10-20. Review status: criteria provided, single submitter. Criteria: Invitae Variant Classification Sherloc (09022015). Collection method: clinical testing. Allele origin: germline.
Comment: This sequence change replaces valine, which is neutral and non-polar, with isoleucine, which is neutral and non-polar, at codon 312 of the GSN protein (p.Val312Ile). This variant is present in population databases (rs745588757, gnomAD 0.003%). This variant has not been reported in the literature in individuals affected with GSN-related conditions. ClinVar contains an entry for this variant (Variation ID: 364806). Advanced modeling of protein sequence and biophysical properties (such as structural, functional, and spatial information, amino acid conservation, physicochemical variation, residue mobility, and thermodynamic stability) performed at Invitae indicates that this missense variant is not expected to disrupt GSN protein function. In summary, the available evidence is currently insufficient to determine the role of this variant in disease. Therefore, it has been classified as a Variant of Uncertain Significance.

Fulgent Genetics
Classification: Uncertain significance for Finnish type amyloidosis. Last evaluated: 2022-05-25. Review status: criteria provided, single submitter. Criteria: ACMG Guidelines, 2015. Collection method: clinical testing. Allele origin: unknown.

NM_198252.3(GSN):c.781G>A (p.Val261Ile)

Gene: GSN (gelsolin; plus strand). Cytogenetic location: 9q33.2.
Variant type: single nucleotide variant.
Coding change: c.781G>A on transcript NM_198252.3 (MANE Select); coding-DNA position 781, G replaced by A.
Protein change: p.Val261Ile; replaces valine 261 with isoleucine.
Molecular consequence: missense variant.
Genome position (GRCh38, 1-based): chr9:121,317,113, G>A. VCF-style: chr9-121317113-G-A. GRCh37 (hg19) VCF-style: chr9-124079391-G-A.
Other names: c.934G>A, p.Val312Ile (NM_000177.5); c.781G>A, p.Val261Ile (NM_001127662.2, NM_001127664.2, NM_001127665.2 and 10 more transcripts); c.889G>A, p.Val297Ile (NM_001127663.2); c.814G>A, p.Val272Ile (NM_001127666.2, NM_001127667.2, NM_001353063.2 and 13 more transcripts); c.832G>A, p.Val278Ile (NM_001258029.2); c.805G>A, p.Val269Ile (NM_001258030.2); c.853G>A, p.Val285Ile (NM_001353076.2); c.127G>A, p.Val43Ile (NM_001353078.2); short protein forms V272I, V312I, V269I, V297I, V278I, V261I, V285I, V43I.
Identifiers: ClinVar variation 364806 (VCV000364806.10), dbSNP rs745588757, ClinGen allele CA5221046.